The following is an entry in ClinVar:

NM_013382.7(POMT2):c.2021dup (p.Ser674fs)

Gene: POMT2 (protein O-mannosyltransferase 2; minus strand). Cytogenetic location: 14q24.3.
Variant type: Duplication.
Coding change: c.2021dup on transcript NM_013382.7 (MANE Select); coding-DNA position 2021, one base duplicated (G; older notation c.2021dupG).
Protein change: p.Ser674fs; shifts the reading frame from serine 674.
Molecular consequence: frameshift variant.
Genome position (GRCh38, 1-based): chr14:77,278,740, C duplicated on the plus strand (G on the coding strand, the reverse complement: POMT2 is on the minus strand). VCF-style (leftmost placement, unchanged base first): chr14-77278739-G-GC. GRCh37 (hg19) VCF-style: chr14-77745082-G-GC.
Other names: short protein forms S674fs.
Identifiers: ClinVar variation 2949165 (VCV002949165.3), dbSNP rs2503155082, ClinGen allele CA2740097133.

ClinVar aggregate classification (germline): Pathogenic (1 of 4 stars; one submission).

Conditions:
Muscular dystrophy-dystroglycanopathy (congenital with impaired intellectual development), type B, 2. Also called: MUSCULAR DYSTROPHY, CONGENITAL, POMT2-RELATED; Muscular dystrophy-dystroglycanopathy (congenital with intellectual disability), type B2. Identifiers: MedGen C3150416, MONDO:0013160, OMIM 613156.
Muscular dystrophy-dystroglycanopathy (congenital with brain and eye anomalies), type A2. Also called: MUSCULAR DYSTROPHY-DYSTROGLYCANOPATHY (CONGENITAL WITH BRAIN AND EYE ANOMALIES), TYPE A, 2; WALKER-WARBURG SYNDROME OR MUSCLE-EYE-BRAIN DISEASE, POMT2-RELATED. Identifiers: Orphanet 588, Orphanet 899, MedGen C3150411, MONDO:0013154, OMIM 613150.
Autosomal recessive limb-girdle muscular dystrophy type 2N. Also called: MUSCULAR DYSTROPHY-DYSTROGLYCANOPATHY, LIMB-GIRDLE, POMT2-RELATED; Muscular dystrophy-dystroglycanopathy (limb-girdle), type C, 2. Identifiers: Orphanet 206559, MedGen C3150418, MONDO:0013162, OMIM 613158.

Submission:

Labcorp Genetics (formerly Invitae), Labcorp
Classification: Pathogenic for Muscular dystrophy-dystroglycanopathy (congenital with impaired intellectual development), type B, 2; Muscular dystrophy-dystroglycanopathy (congenital with brain and eye anomalies), type A2; Autosomal recessive limb-girdle muscular dystrophy type 2N. Last evaluated: 2023-10-17. Review status: criteria provided, single submitter. Criteria: Invitae Variant Classification Sherloc (09022015). Collection method: clinical testing. Allele origin: germline.
Comment: This sequence change results in a frameshift in the POMT2 gene (p.Ser674Argfs*106). While this is not anticipated to result in nonsense mediated decay, it is expected to disrupt the last 77 amino acid(s) of the POMT2 protein and extend the protein by 28 additional amino acid residues. This variant is not present in population databases (gnomAD no frequency). This variant has not been reported in the literature in individuals affected with POMT2-related conditions. This variant disrupts a region of the POMT2 protein in which other variant(s) (p.Trp748Arg) have been determined to be pathogenic (PMID: 17634419, 17869517; Invitae). This suggests that this is a clinically significant region of the protein, and that variants that disrupt it are likely to be disease-causing. For these reasons, this variant has been classified as Pathogenic.

Literature cited by the submitters: PubMed 17634419; PubMed 17869517.